The following is an entry in ClinVar:

NM_006259.3(PRKG2):c.2126+5A>G

Gene: PRKG2 (protein kinase cGMP-dependent 2; minus strand). Cytogenetic location: 4q21.21.
Variant type: single nucleotide variant.
Coding change: c.2126+5A>G on transcript NM_006259.3 (MANE Select); 5 bases into the intron after coding-DNA position 2126, A replaced by G.
Molecular consequence: intron variant.
Genome position (GRCh38, 1-based): chr4:81,104,365, T>C on the plus strand (A>G on the coding strand, the complement: PRKG2 is on the minus strand). VCF-style: chr4-81104365-T-C. GRCh37 (hg19) VCF-style: chr4-82025519-T-C.
Other names: NC_000004.11:g.82025519T>C; c.779+5A>G (NM_001282482.1); c.686+5A>G (NM_001282483.1); c.866+5A>G (NM_001282481.1, NM_001282480.1); c.2039+5A>G (NM_001282485.2); c.2126+5A>G (NM_001363401.2, NM_006259.2).
Identifiers: ClinVar variation 1711591 (VCV001711591.32), dbSNP rs201667781, ClinGen allele CA2983494.

ClinVar aggregate classification (germline): Likely benign. Review status: criteria provided, single submitter (1 of 4 stars). 2 submissions from 2 submitters: Likely benign (1). 1 of the submissions does not count toward it. Last evaluated 2025-02-01.

Conditions:
PRKG2-related disorder. Also called: PRKG2-related condition.

Allele frequency attached by ClinVar (database versions not stated): 1000 Genomes Project 0.00100; 1000 Genomes Project 30x 0.00109; gnomAD exomes 0.00114; ESP Exome Variant Server 0.00115; gnomAD 0.00115; ExAC 0.00132; TOPMed 0.00142.
gnomAD v4.1: 1,738 of 1,517,840 alleles (0.11%); highest among the groups gnomAD compares: Middle Eastern, 0.89%; 8 homozygotes.

Submissions (5):

CeGaT Center for Human Genetics Tuebingen
Classification: Likely benign. Last evaluated: 2025-02-01. Review status: criteria provided, single submitter. Criteria: CeGaT Center For Human Genetics Tuebingen Variant Classification Criteria Version 2. Collection method: clinical testing. Allele origin: germline. Affected: yes. Observed: 2 variant alleles.
Comment: PRKG2: BP4, BS2

PreventionGenetics, part of Exact Sciences
Classification: Likely benign for PRKG2-related condition. Last evaluated: 2019-02-22. Review status: no assertion criteria provided. Collection method: clinical testing. Allele origin: germline. Not counted in ClinVar's aggregate classification.
Comment: This variant is classified as likely benign based on ACMG/AMP sequence variant interpretation guidelines (Richards et al. 2015 PMID: 25741868, with internal and published modifications).

Dr. Peter K. Rogan Lab, Western University
No classification provided (evidence only). Condition: Familial cancer of breast. Review status: no classification provided. Collection method: in vitro. Allele origin: not applicable. Functional consequence: retained intron. Not counted in ClinVar's aggregate classification.

Dr. Peter K. Rogan Lab, Western University
No classification provided (evidence only). Condition: Colorectal cancer. Review status: no classification provided. Collection method: in vitro. Allele origin: not applicable. Functional consequence: retained intron. Not counted in ClinVar's aggregate classification.

Dr. Peter K. Rogan Lab, Western University
No classification provided (evidence only). Condition: Cervical cancer. Review status: no classification provided. Collection method: in vitro. Allele origin: not applicable. Functional consequence: retained intron. Not counted in ClinVar's aggregate classification.